The following is an entry in ClinVar:

NM_000719.7(CACNA1C):c.5701C>T (p.Leu1901=)

Genes: CACNA1C (calcium voltage-gated channel subunit alpha1 C; plus strand), CACNA1C-AS1 (CACNA1C antisense RNA 1; minus strand). Cytogenetic location: 12p13.33.
Variant type: single nucleotide variant.
Coding change: c.5701C>T on transcript NM_000719.7 (MANE Select); coding-DNA position 5701, C replaced by T.
Protein change: p.Leu1901=; no amino-acid change (leucine 1901 retained).
Molecular consequence: synonymous variant.
Genome position (GRCh38, 1-based): chr12:2,686,186, C>T. VCF-style: chr12-2686186-C-T. GRCh37 (hg19) VCF-style: chr12-2795352-C-T.
Other names: c.5845C>T, p.Leu1949= (NM_001129827.2); c.5824C>T, p.Leu1942= (NM_001129829.2); c.5806C>T, p.Leu1936= (NM_001129830.3, NM_001167624.3); c.5785C>T, p.Leu1929= (NM_001129831.2); c.5761C>T, p.Leu1921= (NM_001129832.2); c.5758C>T, p.Leu1920= (NM_001129833.2, NM_001129834.2, NM_001129835.2); c.5752C>T, p.Leu1918= (NM_001129836.2); c.5725C>T, p.Leu1909= (NM_001129837.2, NM_001129838.2); and 6 more.
Identifiers: ClinVar variation 2154693 (VCV002154693.6), dbSNP rs2097474344, ClinGen allele CA477902214.

ClinVar aggregate classification (germline): Likely benign. Review status: criteria provided, single submitter (1 of 4 stars). 2 submissions from 2 submitters: Likely benign (1). 1 of the submissions does not count toward it. Last evaluated 2025-10-29.

Conditions:
CACNA1C-related disorder. Also called: CACNA1C-related disorders; CACNA1C-related condition. Identifiers: MedGen CN381092, MONDO:0700321.
Long QT syndrome (LQTS). Identifiers: MedGen C0023976, MeSH D008133, MONDO:0002442. Disease mechanism: loss of function. Inheritance: Various modes of inheritance.

Allele frequency attached by ClinVar (database versions not stated): gnomAD exomes below 0.00001; TOPMed below 0.00001.
gnomAD v4.1: 2 of 1,613,992 alleles (0.00012%); highest among the groups gnomAD compares: Non-Finnish European, 0.00017%; no homozygotes.

Submissions (2):

Labcorp Genetics (formerly Invitae), Labcorp
Classification: Likely benign for Long QT syndrome. Last evaluated: 2025-10-29. Review status: criteria provided, single submitter. Criteria: Invitae Variant Classification Sherloc (09022015). Collection method: clinical testing. Allele origin: germline.

PreventionGenetics, part of Exact Sciences
Classification: Likely benign for CACNA1C-related condition. Last evaluated: 2021-10-28. Review status: no assertion criteria provided. Collection method: clinical testing. Allele origin: germline. Not counted in ClinVar's aggregate classification.
Comment: This variant is classified as likely benign based on ACMG/AMP sequence variant interpretation guidelines (Richards et al. 2015 PMID: 25741868, with internal and published modifications).